The following is an entry in ClinVar:

NM_002878.4(RAD51D):c.577-5T>G

Genes: RAD51D (RAD51 paralog D; minus strand), RAD51L3-RFFL (RAD51L3-RFFL readthrough; minus strand). Cytogenetic location: 17q12.
Variant type: single nucleotide variant.
Coding change: c.577-5T>G on transcript NM_002878.4 (MANE Select); 5 bases into the intron before coding-DNA position 577, T replaced by G.
Molecular consequence: intron variant.
Genome position (GRCh38, 1-based): chr17:35,103,549, A>C on the plus strand (T>G on the coding strand, the complement: RAD51D is on the minus strand). VCF-style: chr17-35103549-A-C. GRCh37 (hg19) VCF-style: chr17-33430568-A-C.
Other names: c.241-5T>G (NM_133629.3); c.637-5T>G (NM_001142571.2).
Identifiers: ClinVar variation 4844325 (VCV004844325.1).

ClinVar aggregate classification (germline): Uncertain significance (1 of 4 stars; one submission).

Conditions:
Hereditary cancer-predisposing syndrome. Also called: Neoplastic Syndromes, Hereditary; Tumor predisposition; Hereditary Cancer Syndrome; Hereditary neoplastic syndrome. Identifiers: Orphanet 140162, MedGen C0027672, MeSH D009386, MONDO:0015356.

Submission:

Ambry Genetics
Classification: Uncertain significance for Hereditary cancer-predisposing syndrome. Last evaluated: 2026-02-12. Review status: criteria provided, single submitter. Criteria: Ambry Variant Classification Scheme 2023. Collection method: clinical testing. Allele origin: germline.
Comment: The c.577-5T>G intronic variant results from a T to G substitution 5 nucleotides upstream from coding exon 7 in the RAD51D gene. This nucleotide position is not well conserved in available vertebrate species. In silico splice site analysis predicts that this alteration will not have any significant effect on splicing. Based on the available evidence, the clinical significance of this variant remains unclear.